The following is an entry in ClinVar:

ClinVar aggregate classification (germline): Uncertain significance (1 of 4 stars; one submission).

Conditions:
Intellectual disability, autosomal dominant 14 (CSS2). Also called: COFFIN-SIRIS SYNDROME 2. Identifiers: Orphanet 1465, MedGen C3553247, MONDO:0013819, OMIM 614607.

Submission:

Dasa
Classification: Uncertain significance for Intellectual disability, autosomal dominant 14. Last evaluated: 2025-07-03. Review status: criteria provided, single submitter. Criteria: DASA Assertion Criteria. Collection method: clinical testing. Allele origin: germline.
Comment: NM_006015.6(ARID1A):c.6571A>G (p.Ser2191Gly) is a missense variant that results in the substitution of serine with glycine. The affected residue or protein region has prior evidence supporting clinical relevance. This variant is absent from population databases. The currently available literature and clinical evidence are not sufficient to establish a definitive association between this variant and the reported condition. Therefore, this variant is classified as a variant of uncertain significance.

NM_006015.6(ARID1A):c.6571A>G (p.Ser2191Gly)

Gene: ARID1A (AT-rich interaction domain 1A; plus strand). Cytogenetic location: 1p36.11.
Variant type: single nucleotide variant.
Coding change: c.6571A>G on transcript NM_006015.6 (MANE Select); coding-DNA position 6571, A replaced by G.
Protein change: p.Ser2191Gly; replaces serine 2191 with glycine.
Molecular consequence: missense variant.
Genome position (GRCh38, 1-based): chr1:26,780,469, A>G. VCF-style: chr1-26780469-A-G. GRCh37 (hg19) VCF-style: chr1-27106960-A-G.
Other names: c.5920A>G, p.Ser1974Gly (NM_139135.4); short protein forms S1974G, S2191G.
Identifiers: ClinVar variation 4881673 (VCV004881673.2).